The following is an entry in ClinVar:

ClinVar aggregate classification (germline): Uncertain significance (1 of 4 stars; one submission).

Allele frequency attached by ClinVar (database versions not stated): ExAC 0.00001; gnomAD exomes 0.00001.
gnomAD v4.1: 11 of 1,595,486 alleles (0.00069%); highest among the groups gnomAD compares: Non-Finnish European, 0.00093%; no homozygotes.

Submission:

Labcorp Genetics (formerly Invitae), Labcorp
Classification: Uncertain significance. Last evaluated: 2021-12-28. Review status: criteria provided, single submitter. Criteria: Invitae Variant Classification Sherloc (09022015). Collection method: clinical testing. Allele origin: germline.
Comment: In summary, the available evidence is currently insufficient to determine the role of this variant in disease. Therefore, it has been classified as a Variant of Uncertain Significance. Algorithms developed to predict the effect of sequence changes on RNA splicing suggest that this variant may create or strengthen a splice site. Algorithms developed to predict the effect of missense changes on protein structure and function (SIFT, PolyPhen-2, Align-GVGD) all suggest that this variant is likely to be disruptive. This variant has not been reported in the literature in individuals affected with TRIM8-related conditions. The frequency data for this variant in the population databases is considered unreliable, as metrics indicate poor data quality at this position in the gnomAD database. This sequence change replaces alanine, which is neutral and non-polar, with threonine, which is neutral and polar, at codon 162 of the TRIM8 protein (p.Ala162Thr).

NM_030912.3(TRIM8):c.484G>A (p.Ala162Thr)

Gene: TRIM8 (tripartite motif containing 8; plus strand). Cytogenetic location: 10q24.32.
Variant type: single nucleotide variant.
Coding change: c.484G>A on transcript NM_030912.3 (MANE Select); coding-DNA position 484, G replaced by A.
Protein change: p.Ala162Thr; replaces alanine 162 with threonine.
Molecular consequence: missense variant. On other transcripts: non-coding transcript variant (1).
Genome position (GRCh38, 1-based): chr10:102,645,101, G>A. VCF-style: chr10-102645101-G-A. GRCh37 (hg19) VCF-style: chr10-104404858-G-A.
Other names: c.484G>A, p.Ala162Thr (NM_001345950.1); short protein forms A162T.
Identifiers: ClinVar variation 2062117 (VCV002062117.4), dbSNP rs749254499, ClinGen allele CA5668085.